The following is an entry in ClinVar:

NM_000116.5(TAFAZZIN):c.3G>A (p.Met1Ile)

Genes: DNASE1L1 (deoxyribonuclease 1 like 1; minus strand), TAFAZZIN (tafazzin, phospholipid-lysophospholipid transacylase; plus strand), LOC130068869 (ATAC-STARR-seq lymphoblastoid silent region 21101; plus strand). Cytogenetic location: Xq28.
Variant type: single nucleotide variant.
Coding change: c.3G>A on transcript NM_000116.5 (MANE Select); coding-DNA position 3, G replaced by A.
Protein change: p.Met1Ile; changes the start codon (methionine 1).
Molecular consequence: missense variant, initiator codon variant. On other transcripts: non-coding transcript variant (1), intron variant (3).
Genome position (GRCh38, 1-based): chrX:154,411,846, G>A. VCF-style: chrX-154411846-G-A. GRCh37 (hg19) VCF-style: chrX-153640183-G-A.
Other names: c.3G>A, p.Met1Ile (NM_181312.4, NM_181313.4, NM_001303465.2 and 5 more transcripts); c.-88+45C>T (NM_001009934.3); c.-173+45C>T (NM_001009933.3); c.-431+45C>T (NM_001009932.3); short protein forms M1I.
Identifiers: ClinVar variation 2030006 (VCV002030006.5), dbSNP rs2522918261, ClinGen allele CA415177854.

ClinVar aggregate classification (germline): Uncertain significance (1 of 4 stars; one submission).

Conditions:
3-Methylglutaconic aciduria type 2 (BTHS). Also called: CARDIOSKELETAL MYOPATHY WITH NEUTROPENIA AND ABNORMAL MITOCHONDRIA; Barth syndrome. Identifiers: Orphanet 111, MedGen C0574083, MONDO:0010543, OMIM 302060.

Submission:

Labcorp Genetics (formerly Invitae), Labcorp
Classification: Uncertain significance for 3-Methylglutaconic aciduria type 2. Last evaluated: 2023-12-09. Review status: criteria provided, single submitter. Criteria: Invitae Variant Classification Sherloc (09022015). Collection method: clinical testing. Allele origin: germline.
Comment: This sequence change affects the initiator methionine of the TAZ mRNA. The next in-frame methionine is located at codon 25. This variant is not present in population databases (gnomAD no frequency). This variant has not been reported in the literature in individuals affected with TAZ-related conditions. ClinVar contains an entry for this variant (Variation ID: 2030006). Experimental studies and prediction algorithms are not available or were not evaluated, and the functional significance of this variant is currently unknown. In summary, the available evidence is currently insufficient to determine the role of this variant in disease. Therefore, it has been classified as a Variant of Uncertain Significance.